The following is an entry in ClinVar:

ClinVar aggregate classification (germline): Uncertain significance (1 of 4 stars; one submission).

Conditions:
Intellectual developmental disorder, autosomal recessive 58. Also called: Intellectual disability, autosomal recessive 58. Identifiers: MedGen C4310641, MONDO:0014996, OMIM 617270.

Submission:

Revvity Omics, Revvity
Classification: Uncertain significance. Last evaluated: 2023-09-08. Review status: criteria provided, single submitter. Criteria: ACMG Guidelines, 2015. Collection method: clinical testing. Allele origin: germline.

NM_018255.4(ELP2):c.1544C>T (p.Ala515Val)

Gene: ELP2 (elongator acetyltransferase complex subunit 2; plus strand). Cytogenetic location: 18q12.2.
Variant type: single nucleotide variant.
Coding change: c.1544C>T on transcript NM_018255.4 (MANE Select); coding-DNA position 1544, C replaced by T.
Protein change: p.Ala515Val; replaces alanine 515 with valine.
Molecular consequence: missense variant. On other transcripts: non-coding transcript variant (4).
Genome position (GRCh38, 1-based): chr18:36,159,744, C>T. VCF-style: chr18-36159744-C-T. GRCh37 (hg19) VCF-style: chr18-33739707-C-T.
Other names: c.1739C>T, p.Ala580Val (NM_001242875.3); c.1529C>T, p.Ala510Val (NM_001242876.3); c.1466C>T, p.Ala489Val (NM_001242877.3); c.1334C>T, p.Ala445Val (NM_001242878.3, NM_001242879.3); c.1412C>T, p.Ala471Val (NM_001324465.2); c.1661C>T, p.Ala554Val (NM_001324466.2); c.1394C>T, p.Ala465Val (NM_001324467.2); c.1097C>T, p.Ala366Val (NM_001324468.2); short protein forms A366V, A445V, A465V, A471V, A489V, A510V, A515V, A554V.
Identifiers: ClinVar variation 2505101 (VCV002505101.4), dbSNP rs2511293641, ClinGen allele CA402212689.
Genomic context (GRCh38, chr18:36,159,744, plus strand): 5'-AAGGAGATATAAAAATAGTGACTATATTCTTGATGTGTTTCTTCAAACTAGGAGATATAG[C>T]TTCTCAGCCTTCTGATGAAGAGGAGCTGTTAACTAGTACTGGTTTTGAGTATCAGCAGGT-3'
Protein context (NP_060725.1, residues 505-525): SNKAVFQGDI[Ala515Val]SQPSDEEELL